The following is an entry in ClinVar:

NC_000015.9:g.(?_72978549)_(73029948_?)dup

Gene: BBS4 (Bardet-Biedl syndrome 4; plus strand). Cytogenetic location: 15q24.1.
Variant type: Duplication.
Identifiers: ClinVar variation 1037963 (VCV001037963.2).

ClinVar aggregate classification (germline): Uncertain significance (1 of 4 stars; one submission).

Conditions:
Bardet-Biedl syndrome (BBS). Identifiers: Orphanet 110, MedGen C0752166, MONDO:0015229.

Submission:

Labcorp Genetics (formerly Invitae), Labcorp
Classification: Uncertain significance for Bardet-Biedl syndrome. Last evaluated: 2020-08-07. Review status: criteria provided, single submitter. Criteria: Invitae Variant Classification Sherloc (09022015). Collection method: clinical testing. Allele origin: germline.
Comment: This variant results in a copy number gain of the genomic region encompassing the full coding sequence of the BBS4 gene. The boundaries of this event are unknown as they extend beyond the assayed region for this gene and therefore may encompass additional genes. As the precise location of this event is unknown, it may be in tandem or it may be located elsewhere in the genome. This variant has not been reported in the literature in individuals with BBS4-related conditions. In summary, the available evidence is currently insufficient to determine the role of this variant in disease. Therefore, it has been classified as a Variant of Uncertain Significance.